The following is an entry in ClinVar:

NM_001277115.2(DNAH11):c.12166T>A (p.Leu4056Met)

Gene: DNAH11 (dynein axonemal heavy chain 11; plus strand). Cytogenetic location: 7p15.3.
Variant type: single nucleotide variant.
Coding change: c.12166T>A on transcript NM_001277115.2 (MANE Select); coding-DNA position 12166, T replaced by A.
Protein change: p.Leu4056Met; replaces leucine 4056 with methionine.
Molecular consequence: missense variant.
Genome position (GRCh38, 1-based): chr7:21,873,472, T>A. VCF-style: chr7-21873472-T-A. GRCh37 (hg19) VCF-style: chr7-21913090-T-A.
Other names: c.12187T>A, p.Leu4063Met (NM_003777.3); short protein forms L4063M, L4056M.
Identifiers: ClinVar variation 1752108 (VCV001752108.2), dbSNP rs2534056678, ClinGen allele CA366963360.

ClinVar aggregate classification (germline): Uncertain significance (1 of 4 stars; one submission).

Conditions:
Primary ciliary dyskinesia. Also called: Ciliary dyskinesia. Identifiers: Orphanet 244, MedGen C0008780, MONDO:0016575, HP:0012265.

Submission:

Ambry Genetics
Classification: Uncertain significance for Primary ciliary dyskinesia. Last evaluated: 2015-04-06. Review status: criteria provided, single submitter. Criteria: Ambry Variant Classification Scheme 2023. Collection method: clinical testing. Allele origin: germline.
Comment: The p.L4063M variant (also known as c.12187T>A), located in coding exon 74 of the DNAH11 gene, results from a T to A substitution at nucleotide position 12187. The leucine at codon 4063 is replaced by methionine, an amino acid with highly similar properties. This variant was not reported in population based cohorts in the following databases: Database of Single Nucleotide Polymorphisms (dbSNP), NHLBI Exome Sequencing Project (ESP), and 1000 Genomes Project. In the ESP, this variant was not observed in 6134 samples (12268 alleles) with coverage at this position. This amino acid position is highly conserved in available vertebrate species. In addition, this alteration is predicted to be tolerated by in silico analysis. Since supporting evidence for this variant is limited at this time, its clinical significance remains unclear.